The following is an entry in ClinVar:

ClinVar aggregate classification (germline): Conflicting classifications of pathogenicity. Review status: criteria provided, conflicting classifications (1 of 4 stars). 6 submissions from 6 submitters: Uncertain significance (1); Likely benign (4). 1 of the submissions does not count toward it. Last evaluated 2026-05-01.

Conditions:
PIEZO1-related disorder. Also called: PIEZO1-related condition; PIEZO1-Related Disorders.

Allele frequency attached by ClinVar (database versions not stated): TOPMed 0.00058; 1000 Genomes Project 0.00060; gnomAD 0.00060.
gnomAD v4.1: 1,624 of 1,549,330 alleles (0.1%); highest among the groups gnomAD compares: Non-Finnish European, 0.13%; 1 homozygote.

Submissions (6):

CeGaT Center for Human Genetics Tuebingen
Classification: Likely benign. Last evaluated: 2026-05-01. Review status: criteria provided, single submitter. Criteria: CeGaT Center For Human Genetics Tuebingen Variant Classification Criteria Version 2. Collection method: clinical testing. Allele origin: germline. Affected: yes. Observed: 2 variant alleles.
Comment: PIEZO1: BP4

Labcorp Genetics (formerly Invitae), Labcorp
Classification: Uncertain significance. Last evaluated: 2025-12-10. Review status: criteria provided, single submitter. Criteria: Invitae Variant Classification Sherloc (09022015). Collection method: clinical testing. Allele origin: germline.
Comment: This sequence change falls in intron 25 of the PIEZO1 gene. It does not directly change the encoded amino acid sequence of the PIEZO1 protein. It affects a nucleotide within the consensus splice site. This variant is present in population databases (rs147726156, gnomAD 0.1%), and has an allele count higher than expected for a pathogenic variant. This variant has not been reported in the literature in individuals affected with PIEZO1-related conditions. ClinVar contains an entry for this variant (Variation ID: 1679509). Variants that disrupt the consensus splice site are a relatively common cause of aberrant splicing (PMID: 17576681, 9536098). Algorithms developed to predict the effect of sequence changes on RNA splicing suggest that this variant is not likely to affect RNA splicing. In summary, the available evidence is currently insufficient to determine the role of this variant in disease. Therefore, it has been classified as a Variant of Uncertain Significance.

Blueprint Genetics
Classification: Likely benign. Last evaluated: 2024-11-27. Review status: criteria provided, single submitter. Criteria: ACMG Guidelines, 2015. Collection method: clinical testing. Allele origin: germline.

ARUP Laboratories, Molecular Genetics and Genomics, ARUP Laboratories
Classification: Likely benign. Last evaluated: 2022-09-14. Review status: criteria provided, single submitter. Criteria: ARUP Molecular Germline Variant Investigation Process 2021. Collection method: clinical testing. Allele origin: germline.

Breakthrough Genomics
Classification: Likely benign. Review status: criteria provided, single submitter. Criteria: ACMG Guidelines, 2015. Collection method: not provided. Allele origin: germline. Inheritance: Autosomal recessive inheritance. Affected: yes.

PreventionGenetics, part of Exact Sciences
Classification: Likely benign for PIEZO1-related condition. Last evaluated: 2019-05-15. Review status: no assertion criteria provided. Collection method: clinical testing. Allele origin: germline. Not counted in ClinVar's aggregate classification.
Comment: This variant is classified as likely benign based on ACMG/AMP sequence variant interpretation guidelines (Richards et al. 2015 PMID: 25741868, with internal and published modifications).

Literature cited by the submitters: PubMed 17576681 (cited by Labcorp Genetics (formerly Invitae), Labcorp); PubMed 9536098 (cited by Labcorp Genetics (formerly Invitae), Labcorp).

NM_001142864.4(PIEZO1):c.3699+6C>T

Gene: PIEZO1 (piezo type mechanosensitive ion channel component 1 (Er blood group); minus strand). Cytogenetic location: 16q24.3.
Variant type: single nucleotide variant.
Coding change: c.3699+6C>T on transcript NM_001142864.4 (MANE Select); 6 bases into the intron after coding-DNA position 3699, C replaced by T.
Molecular consequence: intron variant.
Genome position (GRCh38, 1-based): chr16:88,726,709, G>A on the plus strand (C>T on the coding strand, the complement: PIEZO1 is on the minus strand). VCF-style: chr16-88726709-G-A. GRCh37 (hg19) VCF-style: chr16-88793117-G-A.
Other names: c.3699+6C>T (NM_001142864.3).
Identifiers: ClinVar variation 1679509 (VCV001679509.30), dbSNP rs147726156, ClinGen allele CA8232424.
Genomic context (GRCh38, chr16:88,726,709, plus strand): 5'-GGAGAGCAGGGTCAGCGGGGCCAGCGGGGCCCCAGGGCGGTGGGTGCGGGGGGGCCGGAG[G>A]CTCACCGACAGCATGTTCTTGGAGATGATGACGGTGACGTTGTACAGAATGAGGCAGTCC-3'